The following is an entry in ClinVar:

ClinVar aggregate classification (germline): Pathogenic (1 of 4 stars; one submission).

Conditions:
Inborn genetic diseases. Identifiers: MedGen C0950123, MeSH D030342.

Submission:

Ambry Genetics
Classification: Pathogenic for Inborn genetic diseases. Last evaluated: 2021-01-20. Review status: criteria provided, single submitter. Criteria: Ambry Variant Classification Scheme 2023. Collection method: clinical testing. Allele origin: germline.
Comment: The c.633C>A (p.Y211*) alteration, located in exon 8 (coding exon 7) of the POMT1 gene, consists of a C to A substitution at nucleotide position 633. This changes the amino acid from a tyrosine (Y) to a stop codon at amino acid position 211. This alteration is expected to result in loss of function by premature protein truncation or nonsense-mediated mRNA decay. Based on data from the Genome Aggregation Database (gnomAD) database, the POMT1 c.633C>A alteration was observed in 0.0012% (3/251494) of total alleles studied, with a frequency of 0.01% (3/30616) in the South Asian subpopulation. Based on the available evidence, this alteration is classified as pathogenic.

NM_001077365.2(POMT1):c.633C>A (p.Tyr211Ter)

Gene: POMT1 (protein O-mannosyltransferase 1; plus strand). Cytogenetic location: 9q34.13.
Variant type: single nucleotide variant.
Coding change: c.633C>A on transcript NM_001077365.2 (MANE Select); coding-DNA position 633, C replaced by A.
Protein change: p.Tyr211Ter; replaces tyrosine 211 with a stop codon.
Molecular consequence: nonsense. On other transcripts: non-coding transcript variant (10).
Genome position (GRCh38, 1-based): chr9:131,509,930, C>A. VCF-style: chr9-131509930-C-A. GRCh37 (hg19) VCF-style: chr9-134385317-C-A.
Other names: c.471C>A, p.Tyr157Ter (NM_001077366.2, NM_001353194.2, NM_001353197.2 and 3 more transcripts); c.633C>A, p.Tyr211Ter (NM_001136113.2, NM_001353193.2, NM_001374690.1 and 1 more transcripts); c.282C>A, p.Tyr94Ter (NM_001136114.2, NM_001353195.2, NM_001353199.2 and 2 more transcripts); c.543C>A, p.Tyr181Ter (NM_001353196.2); c.177C>A, p.Tyr59Ter (NM_001353200.2, NM_001374695.1); c.-504C>A (NM_001411024.1); short protein forms Y181*, Y59*, Y211*, Y94*, Y157*.
Identifiers: ClinVar variation 2229059 (VCV002229059.2), dbSNP rs747129906, ClinGen allele CA5293361.